The following is an entry in ClinVar:

ClinVar aggregate classification (germline): Uncertain significance (1 of 4 stars; one submission).

gnomAD v4.1: 2 of 1,614,076 alleles (0.00012%); highest among the groups gnomAD compares: Non-Finnish European, 0.00017%; no homozygotes.

Submission:

Women's Health and Genetics/Laboratory Corporation of America, LabCorp
Classification: Uncertain significance. Last evaluated: 2026-02-06. Review status: criteria provided, single submitter. Criteria: LabCorp Variant Classification Summary - May 2015. Collection method: clinical testing. Allele origin: germline.
Comment: Variant summary: CTNNBL1 c.1580A>G (p.Lys527Arg) results in a conservative amino acid change in the encoded protein sequence. Algorithms developed to predict the effect of missense changes on protein structure and function are either unavailable or do not agree on the potential impact of this missense change. The variant was absent in 251482 control chromosomes. The available data on variant occurrences in the general population are insufficient to allow any conclusion about variant significance. To our knowledge, no occurrence of c.1580A>G in individuals affected with CTNNBL1-related conditions and no experimental evidence demonstrating its impact on protein function have been reported. No submitters have cited clinical-significance assessments for this variant to ClinVar. Based on the evidence outlined above, the variant was classified as uncertain significance.

NM_030877.5(CTNNBL1):c.1580A>G (p.Lys527Arg)

Gene: CTNNBL1 (catenin beta like 1; plus strand). Cytogenetic location: 20q11.23.
Variant type: single nucleotide variant.
Coding change: c.1580A>G on transcript NM_030877.5 (MANE Select); coding-DNA position 1580, A replaced by G.
Protein change: p.Lys527Arg; replaces lysine 527 with arginine.
Molecular consequence: missense variant.
Genome position (GRCh38, 1-based): chr20:37,860,321, A>G. VCF-style: chr20-37860321-A-G. GRCh37 (hg19) VCF-style: chr20-36488723-A-G.
Other names: c.1499A>G, p.Lys500Arg (NM_001281495.2); short protein forms K500R, K527R.
Identifiers: ClinVar variation 4848007 (VCV004848007.1).